The following is an entry in ClinVar:

NM_000535.7(PMS2):c.481C>G (p.Gln161Glu)

Gene: PMS2 (PMS1 homolog 2, mismatch repair system component; minus strand). Cytogenetic location: 7p22.1.
Variant type: single nucleotide variant.
Coding change: c.481C>G on transcript NM_000535.7 (MANE Select); coding-DNA position 481, C replaced by G.
Protein change: p.Gln161Glu; replaces glutamine 161 with glutamic acid.
Molecular consequence: missense variant. On other transcripts: 5 prime UTR variant (2), non-coding transcript variant (1), intron variant (1).
Genome position (GRCh38, 1-based): chr7:6,002,509, G>C on the plus strand (C>G on the coding strand, the complement: PMS2 is on the minus strand). VCF-style: chr7-6002509-G-C. GRCh37 (hg19) VCF-style: chr7-6042140-G-C.
Other names: c.76C>G, p.Gln26Glu (NM_001018040.1, NM_001322003.2, NM_001322004.2 and 25 more transcripts); c.481C>G, p.Gln161Glu (NM_001322006.2, NM_001322014.2, NM_001406869.1 and 8 more transcripts); c.163C>G, p.Gln55Glu (NM_001322007.2, NM_001322008.2, NM_001406876.1 and 4 more transcripts); c.-404C>G (NM_001322011.2, NM_001322012.2); c.172C>G, p.Gln58Glu (NM_001322015.2, NM_001406875.1, NM_001406877.1 and 6 more transcripts); c.667C>G, p.Gln223Glu (NM_001406866.1); c.505C>G, p.Gln169Glu (NM_001406868.1); c.250+1463C>G (NM_001406885.1); short protein forms Q55E, Q161E, Q169E, Q58E, Q26E, Q223E.
Identifiers: ClinVar variation 2451582 (VCV002451582.2), dbSNP rs2128816708, ClinGen allele CA366744269.

ClinVar aggregate classification (germline): Uncertain significance (1 of 4 stars; one submission).

Conditions:
Hereditary cancer-predisposing syndrome. Also called: Neoplastic Syndromes, Hereditary; Tumor predisposition; Hereditary neoplastic syndrome; Hereditary Cancer Syndrome. Identifiers: Orphanet 140162, MedGen C0027672, MeSH D009386, MONDO:0015356.

Submission:

Ambry Genetics
Classification: Uncertain significance for Hereditary cancer-predisposing syndrome. Last evaluated: 2022-11-17. Review status: criteria provided, single submitter. Criteria: Ambry Variant Classification Scheme 2023. Collection method: clinical testing. Allele origin: germline.
Comment: The p.Q161E variant (also known as c.481C>G), located in coding exon 5 of the PMS2 gene, results from a C to G substitution at nucleotide position 481. The glutamine at codon 161 is replaced by glutamic acid, an amino acid with highly similar properties. This amino acid position is well conserved in available vertebrate species. In addition, the in silico prediction for this alteration is inconclusive. Since supporting evidence is limited at this time, the clinical significance of this alteration remains unclear.